The following is an entry in ClinVar:

NM_000553.6(WRN):c.712G>C (p.Ala238Pro)

Gene: WRN (WRN RecQ like helicase; plus strand). Cytogenetic location: 8p12.
Variant type: single nucleotide variant.
Coding change: c.712G>C on transcript NM_000553.6 (MANE Select); coding-DNA position 712, G replaced by C.
Protein change: p.Ala238Pro; replaces alanine 238 with proline.
Molecular consequence: missense variant.
Genome position (GRCh38, 1-based): chr8:31,068,315, G>C. VCF-style: chr8-31068315-G-C. GRCh37 (hg19) VCF-style: chr8-30925831-G-C.
Other names: short protein forms A238P.
Identifiers: ClinVar variation 659406 (VCV000659406.5), dbSNP rs1585413180, ClinGen allele CA370917167.

ClinVar aggregate classification (germline): Uncertain significance (1 of 4 stars; one submission).

Conditions:
Werner syndrome (WRN). Identifiers: Orphanet 902, MedGen C0043119, MONDO:0010196, OMIM 277700.

Submission:

Labcorp Genetics (formerly Invitae), Labcorp
Classification: Uncertain significance for Werner syndrome. Last evaluated: 2025-06-16. Review status: criteria provided, single submitter. Criteria: Invitae Variant Classification Sherloc (09022015). Collection method: clinical testing. Allele origin: germline.
Comment: This sequence change replaces alanine, which is neutral and non-polar, with proline, which is neutral and non-polar, at codon 238 of the WRN protein (p.Ala238Pro). This variant is not present in population databases (gnomAD no frequency). This variant has not been reported in the literature in individuals affected with WRN-related conditions. ClinVar contains an entry for this variant (Variation ID: 659406). An algorithm developed to predict the effect of missense changes on protein structure and function (PolyPhen-2) suggests that this variant is likely to be tolerated. In summary, the available evidence is currently insufficient to determine the role of this variant in disease. Therefore, it has been classified as a Variant of Uncertain Significance.